The following is an entry in ClinVar:

ClinVar aggregate classification (germline): Uncertain significance. Review status: criteria provided, multiple submitters, no conflicts (2 of 4 stars). 2 submissions from 2 submitters: Uncertain significance (2). Last evaluated 2023-05-16.

Conditions:
Hereditary nonpolyposis colorectal neoplasms. Identifiers: MedGen C0009405, MeSH D003123.
Hereditary cancer-predisposing syndrome. Also called: Neoplastic Syndromes, Hereditary; Tumor predisposition; Hereditary Cancer Syndrome; Hereditary neoplastic syndrome. Identifiers: Orphanet 140162, MedGen C0027672, MeSH D009386, MONDO:0015356.

Submissions (2):

Ambry Genetics
Classification: Uncertain significance for Hereditary cancer-predisposing syndrome. Last evaluated: 2023-05-16. Review status: criteria provided, single submitter. Criteria: Ambry Variant Classification Scheme 2023. Collection method: clinical testing. Allele origin: germline.
Comment: The p.T37A variant (also known as c.109A>G), located in coding exon 2 of the PMS2 gene, results from an A to G substitution at nucleotide position 109. The threonine at codon 37 is replaced by alanine, an amino acid with similar properties. This amino acid position is well conserved in available vertebrate species. In addition, the in silico prediction for this alteration is inconclusive. Since supporting evidence is limited at this time, the clinical significance of this alteration remains unclear.

Labcorp Genetics (formerly Invitae), Labcorp
Classification: Uncertain significance for Hereditary nonpolyposis colorectal neoplasms. Last evaluated: 2021-11-11. Review status: criteria provided, single submitter. Criteria: Invitae Variant Classification Sherloc (09022015). Collection method: clinical testing. Allele origin: germline.
Comment: In summary, the available evidence is currently insufficient to determine the role of this variant in disease. Therefore, it has been classified as a Variant of Uncertain Significance. Advanced modeling of protein sequence and biophysical properties (such as structural, functional, and spatial information, amino acid conservation, physicochemical variation, residue mobility, and thermodynamic stability) performed at Invitae indicates that this missense variant is not expected to disrupt PMS2 protein function. ClinVar contains an entry for this variant (Variation ID: 232624). This variant has not been reported in the literature in individuals affected with PMS2-related conditions. This variant is not present in population databases (gnomAD no frequency). This sequence change replaces threonine, which is neutral and polar, with alanine, which is neutral and non-polar, at codon 37 of the PMS2 protein (p.Thr37Ala).

NM_000535.7(PMS2):c.109A>G (p.Thr37Ala)

Gene: PMS2 (PMS1 homolog 2, mismatch repair system component; minus strand). Cytogenetic location: 7p22.1.
Variant type: single nucleotide variant.
Coding change: c.109A>G on transcript NM_000535.7 (MANE Select); coding-DNA position 109, A replaced by G.
Protein change: p.Thr37Ala; replaces threonine 37 with alanine.
Molecular consequence: missense variant. On other transcripts: 5 prime UTR variant (8), non-coding transcript variant (1), intron variant (3).
Genome position (GRCh38, 1-based): chr7:6,005,946, T>C on the plus strand (A>G on the coding strand, the complement: PMS2 is on the minus strand). VCF-style: chr7-6005946-T-C. GRCh37 (hg19) VCF-style: chr7-6045577-T-C.
Other names: c.-297A>G (NM_001322003.2, NM_001322005.2, NM_001322009.2 and 1 more transcripts); c.109A>G, p.Thr37Ala (NM_001322006.2, NM_001322014.2); c.-107A>G (NM_001322007.2); c.-776A>G (NM_001322011.2, NM_001322012.2); c.-376A>G (NM_001322015.2); c.-52-1888A>G (NM_001322008.2); c.-242-1888A>G (NM_001322010.2, NM_001322004.2); short protein forms T37A.
Identifiers: ClinVar variation 232624 (VCV000232624.11), dbSNP rs876659883, ClinGen allele CA10578729.